The following is an entry in ClinVar:

NM_001286577.2(C2CD3):c.1141_1142insA (p.Leu381fs)

Gene: C2CD3 (C2 domain containing 3 centriole elongation regulator; minus strand). Cytogenetic location: 11q13.4.
Variant type: Insertion.
Coding change: c.1141_1142insA on transcript NM_001286577.2 (MANE Select); coding-DNA positions 1141 to 1142, A inserted.
Protein change: p.Leu381fs; shifts the reading frame from leucine 381.
Molecular consequence: frameshift variant.
Genome position: GRCh38 VCF-style: chr11-74132919-A-AT. GRCh37 (hg19) VCF-style: chr11-73843964-A-AT.
Other names: c.1141_1142insA, p.Leu381fs (NM_015531.6); short protein forms L381fs.
Identifiers: ClinVar variation 2694905 (VCV002694905.3), dbSNP rs1487422663, ClinGen allele CA680180777.

ClinVar aggregate classification (germline): Pathogenic (1 of 4 stars; one submission).

Allele frequency attached by ClinVar (database versions not stated): TOPMed below 0.00001.

Submission:

Labcorp Genetics (formerly Invitae), Labcorp
Classification: Pathogenic. Last evaluated: 2023-11-10. Review status: criteria provided, single submitter. Criteria: Invitae Variant Classification Sherloc (09022015). Collection method: clinical testing. Allele origin: germline.
Comment: This sequence change creates a premature translational stop signal (p.Leu381Hisfs*5) in the C2CD3 gene. It is expected to result in an absent or disrupted protein product. Loss-of-function variants in C2CD3 are known to be pathogenic (PMID: 24997988, 26477546). This variant is not present in population databases (gnomAD no frequency). This variant has not been reported in the literature in individuals affected with C2CD3-related conditions. For these reasons, this variant has been classified as Pathogenic.

Literature cited by the submitters: PubMed 24997988; PubMed 26477546.